The following is an entry in ClinVar:

ClinVar aggregate classification (germline): Uncertain significance. Review status: criteria provided, multiple submitters, no conflicts (2 of 4 stars). 2 submissions from 2 submitters: Uncertain significance (2). Last evaluated 2025-04-09.

gnomAD v4.1: 1 of 1,609,442 alleles (0.000062%); highest among the groups gnomAD compares: Non-Finnish European, 0.000085%; no homozygotes.

Submissions (2):

Labcorp Genetics (formerly Invitae), Labcorp
Classification: Uncertain significance. Last evaluated: 2025-04-09. Review status: criteria provided, single submitter. Criteria: Invitae Variant Classification Sherloc (09022015). Collection method: clinical testing. Allele origin: germline.
Comment: This sequence change replaces histidine, which is basic and polar, with arginine, which is basic and polar, at codon 71 of the SRP72 protein (p.His71Arg). This variant is not present in population databases (gnomAD no frequency). This variant has not been reported in the literature in individuals affected with SRP72-related conditions. Invitae Evidence Modeling of protein sequence and biophysical properties (such as structural, functional, and spatial information, amino acid conservation, physicochemical variation, residue mobility, and thermodynamic stability) indicates that this missense variant is not expected to disrupt SRP72 protein function with a negative predictive value of 80%. In summary, the available evidence is currently insufficient to determine the role of this variant in disease. Therefore, it has been classified as a Variant of Uncertain Significance.

Ambry Genetics
Classification: Uncertain significance. Last evaluated: 2024-12-28. Review status: criteria provided, single submitter. Criteria: Ambry Variant Classification Scheme 2023. Collection method: clinical testing. Allele origin: germline.
Comment: The p.H71R variant (also known as c.212A>G), located in coding exon 2 of the SRP72 gene, results from an A to G substitution at nucleotide position 212. The histidine at codon 71 is replaced by arginine, an amino acid with highly similar properties. This amino acid position is conserved. In addition, this alteration is predicted to be tolerated by in silico analysis. Based on the available evidence, the clinical significance of this variant remains unclear.

NM_006947.4(SRP72):c.212A>G (p.His71Arg)

Gene: SRP72 (signal recognition particle 72; plus strand). Cytogenetic location: 4q12.
Variant type: single nucleotide variant.
Coding change: c.212A>G on transcript NM_006947.4 (MANE Select); coding-DNA position 212, A replaced by G.
Protein change: p.His71Arg; replaces histidine 71 with arginine.
Molecular consequence: missense variant. On other transcripts: non-coding transcript variant (1).
Genome position (GRCh38, 1-based): chr4:56,469,755, A>G. VCF-style: chr4-56469755-A-G. GRCh37 (hg19) VCF-style: chr4-57335921-A-G.
Other names: c.212A>G, p.His71Arg (NM_001267722.2); short protein forms H71R.
Identifiers: ClinVar variation 3801421 (VCV003801421.2).